The following is an entry in ClinVar:

ClinVar aggregate classification (germline): Likely benign (0 of 4 stars; one submission).

Conditions:
LAMA5-related disorder. Also called: LAMA5-Related Disorders; LAMA5-related condition.

Submission:

PreventionGenetics, part of Exact Sciences
Classification: Likely benign for LAMA5-related condition. Last evaluated: 2023-08-18. Review status: no assertion criteria provided. Collection method: clinical testing. Allele origin: germline.
Comment: This variant is classified as likely benign based on ACMG/AMP sequence variant interpretation guidelines (Richards et al. 2015 PMID: 25741868, with internal and published modifications).

NM_005560.6(LAMA5):c.9806+10G>A

Gene: LAMA5 (laminin subunit alpha 5; minus strand). Cytogenetic location: 20q13.33.
Variant type: single nucleotide variant.
Coding change: c.9806+10G>A on transcript NM_005560.6 (MANE Select); 10 bases into the intron after coding-DNA position 9806, G replaced by A.
Molecular consequence: intron variant.
Genome position (GRCh38, 1-based): chr20:62,311,604, C>T on the plus strand (G>A on the coding strand, the complement: LAMA5 is on the minus strand). VCF-style: chr20-62311604-C-T. GRCh37 (hg19) VCF-style: chr20-60886660-C-T.
Identifiers: ClinVar variation 3045938 (VCV003045938.2), dbSNP rs2516643854, ClinGen allele CA2740094611.